The following is an entry in ClinVar:

ClinVar aggregate classification (germline): Uncertain significance (1 of 4 stars; one submission).

Submission:

GeneDx
Classification: Uncertain significance. Last evaluated: 2025-08-14. Review status: criteria provided, single submitter. Criteria: GeneDx Variant Classification Process June 2021. Collection method: clinical testing. Allele origin: germline. Affected: yes.
Comment: Not observed at significant frequency in large population cohorts (gnomAD); In-frame deletion of 2 amino acid(s) and insertion of 1 different amino acid(s) in a non-repeat region; In silico analysis supports a deleterious effect on protein structure/function; Has not been previously published as pathogenic or benign to our knowledge

NM_001348323.3(TRIP12):c.3760_3763delinsA (p.Ala1254_Val1255delinsMet)

Gene: TRIP12 (thyroid hormone receptor interactor 12; minus strand). Cytogenetic location: 2q36.3.
Variant type: Indel.
Coding change: c.3760_3763delinsA on transcript NM_001348323.3 (MANE Select); coding-DNA positions 3760 to 3763, GCTG replaced by A.
Protein change: p.Ala1254_Val1255delinsMet.
Molecular consequence: inframe indel.
Genome position (GRCh38, 1-based): chr2:229,796,644-229,796,647, CAGC replaced by T on the plus strand (GCTG replaced by A on the coding strand, the reverse complement: TRIP12 is on the minus strand). VCF-style: chr2-229796644-CAGC-T. GRCh37 (hg19) VCF-style: chr2-230661360-CAGC-T.
Other names: c.2725_2728delinsA, p.Ala909_Val910delinsMet (NM_001284216.2); c.3679_3682delinsA, p.Ala1227_Val1228delinsMet (NM_001348315.2, NM_001284214.2); c.3634_3637delinsA, p.Ala1212_Val1213delinsMet (NM_001348316.2, NM_001348317.1, NM_001348318.2 and 1 more transcripts); c.3760_3763delinsA, p.Ala1254_Val1255delinsMet (NM_001348319.1, NM_001348320.2, NM_001348322.1 and 4 more transcripts); c.3763_3766delinsA, p.Ala1255_Val1256delinsMet (NM_001348321.1, NM_001348328.1, NM_001348329.2 and 1 more transcripts); c.3553_3556delinsA, p.Ala1185_Val1186delinsMet (NM_001348331.1); c.3673_3676delinsA, p.Ala1225_Val1226delinsMet (NM_001348332.1); c.3682_3685delinsA, p.Ala1228_Val1229delinsMet (NM_001348333.1); and 1 more.
Identifiers: ClinVar variation 4795315 (VCV004795315.1).